The following is an entry in ClinVar:

ClinVar aggregate classification (germline): Pathogenic (1 of 4 stars; one submission).

Conditions:
Familial adenomatous polyposis 1 (FAP1). Also called: POLYPOSIS, ADENOMATOUS INTESTINAL; FAMILIAL ADENOMATOUS POLYPOSIS 1, ATTENUATED. Identifiers: MedGen C2713442, MONDO:0021056, OMIM 175100. Disease mechanism: loss of function.

Submission:

Myriad Genetics, Inc.
Classification: Pathogenic for Familial adenomatous polyposis 1. Last evaluated: 2023-05-10. Review status: criteria provided, single submitter. Criteria: Myriad Autosomal Dominant, Autosomal Recessive and X-Linked Classification Criteria (2023). Collection method: clinical testing. Allele origin: unknown.
Comment: This variant is considered pathogenic. This variant creates a frameshift predicted to result in premature protein truncation.

NM_000038.6(APC):c.4374_4383dup (p.Lys1462delinsTyrCysTer)

Gene: APC (APC regulator of Wnt signaling pathway; plus strand). Cytogenetic location: 5q22.2.
Variant type: Duplication.
Coding change: c.4374_4383dup on transcript NM_000038.6 (MANE Select); coding-DNA positions 4374 to 4383, 10 bases duplicated (TACTGCTGAA; older notation c.4374_4383dupTACTGCTGAA).
Protein change: p.Lys1462delinsTyrCysTer.
Molecular consequence: nonsense. On other transcripts: non-coding transcript variant (2).
Genome position (GRCh38, 1-based): chr5:112,839,968-112,839,977, TACTGCTGAA duplicated. VCF-style (leftmost placement, unchanged base first): chr5-112839967-C-CTACTGCTGAA. GRCh37 (hg19) VCF-style: chr5-112175664-C-CTACTGCTGAA.
Other names: c.4374_4383dup, p.Lys1462delinsTyrCysTer (NM_001127510.3, NM_001354895.2, NM_001407450.1); c.4320_4329dup, p.Lys1444delinsTyrCysTer (NM_001127511.3); c.4428_4437dup, p.Lys1480delinsTyrCysTer (NM_001354896.2, NM_001407447.1, NM_001407448.1 and 1 more transcripts); c.4404_4413dup, p.Lys1472delinsTyrCysTer (NM_001354897.2); c.4299_4308dup, p.Lys1437delinsTyrCysTer (NM_001354898.2); c.4290_4299dup, p.Lys1434delinsTyrCysTer (NM_001354899.2); c.4251_4260dup, p.Lys1421delinsTyrCysTer (NM_001354900.2); c.4197_4206dup, p.Lys1403delinsTyrCysTer (NM_001354901.2, NM_001407453.1); and 11 more.
Identifiers: ClinVar variation 2583478 (VCV002583478.1), dbSNP rs2533570106, ClinGen allele CA2582341286.
Genomic context (GRCh38, chr5:112,839,967, plus strand): 5'-CACCTCCACCACCTCCTCAAACAGCTCAAACCAAGCGAGAAGTACCTAAAAATAAAGCAC[C>CTACTGCTGAA]TACTGCTGAAAAGAGAGAGAGTGGACCTAAGCAAGCTGCAGTAAATGCTGCAGTTCAGAG-3'